The following is an entry in ClinVar:

ClinVar aggregate classification (germline): Uncertain significance (1 of 4 stars; one submission).

Conditions:
Bloom syndrome (BLM). Also called: Bloom-Torre-Machacek syndrome. Identifiers: Orphanet 125, MedGen C0005859, MONDO:0008876, OMIM 210900.

Allele frequency attached by ClinVar (database versions not stated): TOPMed below 0.00001.

Submission:

Labcorp Genetics (formerly Invitae), Labcorp
Classification: Uncertain significance for Bloom syndrome. Last evaluated: 2025-05-05. Review status: criteria provided, single submitter. Criteria: Invitae Variant Classification Sherloc (09022015). Collection method: clinical testing. Allele origin: germline.
Comment: This sequence change replaces lysine, which is basic and polar, with asparagine, which is neutral and polar, at codon 1202 of the BLM protein (p.Lys1202Asn). This variant is not present in population databases (gnomAD no frequency). This variant has not been reported in the literature in individuals affected with BLM-related conditions. ClinVar contains an entry for this variant (Variation ID: 1006252). Invitae Evidence Modeling of protein sequence and biophysical properties (such as structural, functional, and spatial information, amino acid conservation, physicochemical variation, residue mobility, and thermodynamic stability) indicates that this missense variant is not expected to disrupt BLM protein function with a negative predictive value of 80%. In summary, the available evidence is currently insufficient to determine the role of this variant in disease. Therefore, it has been classified as a Variant of Uncertain Significance.

NM_000057.4(BLM):c.3606A>C (p.Lys1202Asn)

Gene: BLM (BLM RecQ like helicase; plus strand). Cytogenetic location: 15q26.1.
Variant type: single nucleotide variant.
Coding change: c.3606A>C on transcript NM_000057.4 (MANE Select); coding-DNA position 3606, A replaced by C.
Protein change: p.Lys1202Asn; replaces lysine 1202 with asparagine.
Molecular consequence: missense variant. On other transcripts: intron variant (1).
Genome position (GRCh38, 1-based): chr15:90,804,214, A>C. VCF-style: chr15-90804214-A-C. GRCh37 (hg19) VCF-style: chr15-91347444-A-C.
Other names: c.3606A>C, p.Lys1202Asn (NM_001287246.2); c.2481A>C, p.Lys827Asn (NM_001287248.2); c.3359-4923A>C (NM_001287247.2); short protein forms K1202N, K827N.
Identifiers: ClinVar variation 1006252 (VCV001006252.9), dbSNP rs1897233523, ClinGen allele CA393847989.